The following is an entry in ClinVar:

NM_004655.4(AXIN2):c.731C>G (p.Ser244Trp)

Gene: AXIN2 (axin 2; minus strand). Cytogenetic location: 17q24.1.
Variant type: single nucleotide variant.
Coding change: c.731C>G on transcript NM_004655.4 (MANE Select); coding-DNA position 731, C replaced by G.
Protein change: p.Ser244Trp; replaces serine 244 with tryptophan.
Molecular consequence: missense variant.
Genome position (GRCh38, 1-based): chr17:65,557,890, G>C on the plus strand (C>G on the coding strand, the complement: AXIN2 is on the minus strand). VCF-style: chr17-65557890-G-C. GRCh37 (hg19) VCF-style: chr17-63554008-G-C.
Other names: c.731C>G (LRG_296t1); c.731C>G, p.Ser244Trp (NM_001363813.1); short protein forms S244W.
Identifiers: ClinVar variation 665712 (VCV000665712.16), dbSNP rs199798353, ClinGen allele CA8719003.

ClinVar aggregate classification (germline): Uncertain significance. Review status: criteria provided, multiple submitters, no conflicts (2 of 4 stars). 4 submissions from 4 submitters: Uncertain significance (4). Last evaluated 2026-01-27.

Conditions:
Hereditary cancer-predisposing syndrome. Also called: Tumor predisposition; Hereditary neoplastic syndrome; Neoplastic Syndromes, Hereditary; Hereditary Cancer Syndrome. Identifiers: Orphanet 140162, MedGen C0027672, MeSH D009386, MONDO:0015356.
Oligodontia-cancer predisposition syndrome. Also called: TOOTH AGENESIS-COLORECTAL CANCER SYNDROME. Identifiers: Orphanet 300576, MedGen C1837750, MONDO:0012075, OMIM 608615. Disease mechanism: loss of function.
Colorectal cancer. Also called: Colorectal cancer, somatic; Malignant Colorectal Neoplasm. Identifiers: MedGen C0346629, MONDO:0005575, OMIM 114500.

Allele frequency attached by ClinVar (database versions not stated): ESP Exome Variant Server 0.00008.
gnomAD v4.1: 11 of 1,614,040 alleles (0.00068%); highest among the groups gnomAD compares: Admixed American, 0.0017%; no homozygotes.

Submissions (4):

Labcorp Genetics (formerly Invitae), Labcorp
Classification: Uncertain significance for Oligodontia-cancer predisposition syndrome. Last evaluated: 2026-01-27. Review status: criteria provided, single submitter. Criteria: Invitae Variant Classification Sherloc (09022015). Collection method: clinical testing. Allele origin: germline.
Comment: This sequence change replaces serine, which is neutral and polar, with tryptophan, which is neutral and slightly polar, at codon 244 of the AXIN2 protein (p.Ser244Trp). This variant is present in population databases (rs199798353, gnomAD 0.003%). This variant has not been reported in the literature in individuals affected with AXIN2-related conditions. ClinVar contains an entry for this variant (Variation ID: 665712). An algorithm developed to predict the effect of missense changes on protein structure and function (PolyPhen-2) suggests that this variant is likely to be disruptive. In summary, the available evidence is currently insufficient to determine the role of this variant in disease. Therefore, it has been classified as a Variant of Uncertain Significance.

Ambry Genetics
Classification: Uncertain significance for Hereditary cancer-predisposing syndrome. Last evaluated: 2025-04-22. Review status: criteria provided, single submitter. Criteria: Ambry Variant Classification Scheme 2023. Collection method: clinical testing. Allele origin: germline.
Comment: The p.S244W variant (also known as c.731C>G), located in coding exon 1 of the AXIN2 gene, results from a C to G substitution at nucleotide position 731. The serine at codon 244 is replaced by tryptophan, an amino acid with highly dissimilar properties. This amino acid position is poorly conserved in available vertebrate species. In addition, this alteration is predicted to be tolerated by in silico analysis. Since supporting evidence is limited at this time, the clinical significance of this alteration remains unclear.

Fulgent Genetics
Classification: Uncertain significance for Colorectal cancer; Oligodontia-cancer predisposition syndrome. Last evaluated: 2024-04-24. Review status: criteria provided, single submitter. Criteria: ACMG Guidelines, 2015. Collection method: clinical testing. Allele origin: germline.

GeneDx
Classification: Uncertain significance. Last evaluated: 2023-06-07. Review status: criteria provided, single submitter. Criteria: GeneDx Variant Classification Process June 2021. Collection method: clinical testing. Allele origin: germline. Affected: yes.
Comment: Not observed at significant frequency in large population cohorts (gnomAD); In silico analysis supports that this missense variant has a deleterious effect on protein structure/function; Has not been previously published as pathogenic or benign to our knowledge